The following is an entry in ClinVar:

ClinVar aggregate classification (germline): Uncertain significance (1 of 4 stars; one submission).

Allele frequency attached by ClinVar (database versions not stated): gnomAD 0.00001.
gnomAD v4.1: 9 of 1,614,242 alleles (0.00056%); highest among the groups gnomAD compares: Admixed American, 0.0033%; no homozygotes.

Submission:

Labcorp Genetics (formerly Invitae), Labcorp
Classification: Uncertain significance. Last evaluated: 2021-08-31. Review status: criteria provided, single submitter. Criteria: Invitae Variant Classification Sherloc (09022015). Collection method: clinical testing. Allele origin: germline.
Comment: This sequence change replaces arginine with glutamine at codon 3641 of the LRP2 protein (p.Arg3641Gln). The arginine residue is weakly conserved and there is a small physicochemical difference between arginine and glutamine. This variant is not present in population databases (ExAC no frequency). This variant has not been reported in the literature in individuals affected with LRP2-related conditions. Advanced modeling of protein sequence and biophysical properties (such as structural, functional, and spatial information, amino acid conservation, physicochemical variation, residue mobility, and thermodynamic stability) performed at Invitae indicates that this missense variant is not expected to disrupt LRP2 protein function. In summary, the available evidence is currently insufficient to determine the role of this variant in disease. Therefore, it has been classified as a Variant of Uncertain Significance.

NM_004525.3(LRP2):c.10922G>A (p.Arg3641Gln)

Gene: LRP2 (LDL receptor related protein 2; minus strand). Cytogenetic location: 2q31.1.
Variant type: single nucleotide variant.
Coding change: c.10922G>A on transcript NM_004525.3 (MANE Select); coding-DNA position 10922, G replaced by A.
Protein change: p.Arg3641Gln; replaces arginine 3641 with glutamine.
Molecular consequence: missense variant.
Genome position (GRCh38, 1-based): chr2:169,174,011, C>T on the plus strand (G>A on the coding strand, the complement: LRP2 is on the minus strand). VCF-style: chr2-169174011-C-T. GRCh37 (hg19) VCF-style: chr2-170030521-C-T.
Other names: short protein forms R3641Q.
Identifiers: ClinVar variation 1487993 (VCV001487993.5), dbSNP rs1397835441, ClinGen allele CA349144676.